The following is an entry in ClinVar:

NM_002519.3(NPAT):c.2272A>G (p.Ser758Gly)

Gene: NPAT (nuclear protein, coactivator of histone transcription; minus strand). Cytogenetic location: 11q22.3.
Variant type: single nucleotide variant.
Coding change: c.2272A>G on transcript NM_002519.3 (MANE Select); coding-DNA position 2272, A replaced by G.
Protein change: p.Ser758Gly; replaces serine 758 with glycine.
Molecular consequence: missense variant.
Genome position (GRCh38, 1-based): chr11:108,172,712, T>C on the plus strand (A>G on the coding strand, the complement: NPAT is on the minus strand). VCF-style: chr11-108172712-T-C. GRCh37 (hg19) VCF-style: chr11-108043439-T-C.
Other names: c.2272A>G, p.Ser758Gly (NM_001321307.1); short protein forms S758G.
Identifiers: ClinVar variation 1788804 (VCV001788804.2), dbSNP rs765414725, ClinGen allele CA6263844.

ClinVar aggregate classification (germline): Uncertain significance (1 of 4 stars; one submission).

Allele frequency attached by ClinVar (database versions not stated): ExAC 0.00001.
gnomAD v4.1: 2 of 1,613,694 alleles (0.00012%); highest among the groups gnomAD compares: African/African-American, 0.0013%; no homozygotes.

Submission:

Ambry Genetics
Classification: Uncertain significance. Last evaluated: 2022-10-12. Review status: criteria provided, single submitter. Criteria: Ambry Variant Classification Scheme 2023. Collection method: clinical testing. Allele origin: germline.
Comment: The p.S758G variant (also known as c.2272A>G), located in coding exon 13 of the NPAT gene, results from an A to G substitution at nucleotide position 2272. The serine at codon 758 is replaced by glycine, an amino acid with similar properties. This amino acid position is conserved. In addition, this alteration is predicted to be tolerated by in silico analysis. Since supporting evidence is limited at this time, the clinical significance of this alteration remains unclear.